The following is an entry in ClinVar:

NM_021927.3(GUF1):c.902G>A (p.Gly301Glu)

Gene: GUF1 (GTP binding elongation factor GUF1; plus strand). Cytogenetic location: 4p12.
Variant type: single nucleotide variant.
Coding change: c.902G>A on transcript NM_021927.3 (MANE Select); coding-DNA position 902, G replaced by A.
Protein change: p.Gly301Glu; replaces glycine 301 with glutamic acid.
Molecular consequence: missense variant. On other transcripts: 5 prime UTR variant (2).
Genome position (GRCh38, 1-based): chr4:44,686,677, G>A. VCF-style: chr4-44686677-G-A. GRCh37 (hg19) VCF-style: chr4-44688694-G-A.
Other names: c.-71G>A (NM_001345867.2, NM_001345869.2); c.902G>A, p.Gly301Glu (NM_001345868.2); short protein forms G301E.
Identifiers: ClinVar variation 2175088 (VCV002175088.4), dbSNP rs754309910, ClinGen allele CA2905463.

ClinVar aggregate classification (germline): Uncertain significance (1 of 4 stars; one submission).

Allele frequency attached by ClinVar (database versions not stated): ExAC 0.00001; gnomAD exomes 0.00001; TOPMed 0.00001.

Submission:

Labcorp Genetics (formerly Invitae), Labcorp
Classification: Uncertain significance. Last evaluated: 2024-10-21. Review status: criteria provided, single submitter. Criteria: Invitae Variant Classification Sherloc (09022015). Collection method: clinical testing. Allele origin: germline.
Comment: This sequence change replaces glycine, which is neutral and non-polar, with glutamic acid, which is acidic and polar, at codon 301 of the GUF1 protein (p.Gly301Glu). This variant is present in population databases (rs754309910, gnomAD 0.01%). This variant has not been reported in the literature in individuals affected with GUF1-related conditions. ClinVar contains an entry for this variant (Variation ID: 2175088). Invitae Evidence Modeling of protein sequence and biophysical properties (such as structural, functional, and spatial information, amino acid conservation, physicochemical variation, residue mobility, and thermodynamic stability) has been performed for this missense variant. However, the output from this modeling did not meet the statistical confidence thresholds required to predict the impact of this variant on GUF1 protein function. In summary, the available evidence is currently insufficient to determine the role of this variant in disease. Therefore, it has been classified as a Variant of Uncertain Significance.